The following is an entry in ClinVar:

ClinVar aggregate classification (germline): Uncertain significance. Review status: criteria provided, multiple submitters, no conflicts (2 of 4 stars). 2 submissions from 2 submitters: Uncertain significance (2). Last evaluated 2024-04-06.

Conditions:
Inborn genetic diseases. Identifiers: MedGen C0950123, MeSH D030342.

Submissions (2):

Ambry Genetics
Classification: Uncertain significance for Inborn genetic diseases. Last evaluated: 2024-04-06. Review status: criteria provided, single submitter. Criteria: Ambry Variant Classification Scheme 2023. Collection method: clinical testing. Allele origin: germline.
Comment: The p.K40T variant (also known as c.119A>C), located in coding exon 2 of the RAD51 gene, results from an A to C substitution at nucleotide position 119. The lysine at codon 40 is replaced by threonine, an amino acid with similar properties. This amino acid position is conserved. In addition, this alteration is predicted to be deleterious by in silico analysis. Based on the available evidence, the clinical significance of this variant remains unclear.

Labcorp Genetics (formerly Invitae), Labcorp
Classification: Uncertain significance. Last evaluated: 2024-04-03. Review status: criteria provided, single submitter. Criteria: Invitae Variant Classification Sherloc (09022015). Collection method: clinical testing. Allele origin: germline.
Comment: This sequence change replaces lysine, which is basic and polar, with threonine, which is neutral and polar, at codon 40 of the RAD51 protein (p.Lys40Thr). This variant is not present in population databases (gnomAD no frequency). This variant has not been reported in the literature in individuals affected with RAD51-related conditions. An algorithm developed to predict the effect of missense changes on protein structure and function (PolyPhen-2) suggests that this variant is likely to be disruptive. In summary, the available evidence is currently insufficient to determine the role of this variant in disease. Therefore, it has been classified as a Variant of Uncertain Significance.

NM_002875.5(RAD51):c.119A>C (p.Lys40Thr)

Gene: RAD51 (RAD51 recombinase; plus strand). Cytogenetic location: 15q15.1.
Variant type: single nucleotide variant.
Coding change: c.119A>C on transcript NM_002875.5 (MANE Select); coding-DNA position 119, A replaced by C.
Protein change: p.Lys40Thr; replaces lysine 40 with threonine.
Molecular consequence: missense variant.
Genome position (GRCh38, 1-based): chr15:40,701,095, A>C. VCF-style: chr15-40701095-A-C. GRCh37 (hg19) VCF-style: chr15-40993293-A-C.
Other names: c.119A>C, p.Lys40Thr (NM_001164269.2, NM_001164270.2, NM_133487.4); short protein forms K40T.
Identifiers: ClinVar variation 3312354 (VCV003312354.3).